The following is an entry in ClinVar:

NM_001318852.2(MAPK8IP3):c.3482_3483delinsTCATG (p.Gly1161delinsValMet)

Gene: MAPK8IP3 (mitogen-activated protein kinase 8 interacting protein 3; plus strand). Cytogenetic location: 16p13.3.
Variant type: Indel.
Coding change: c.3482_3483delinsTCATG on transcript NM_001318852.2 (MANE Select); coding-DNA positions 3482 to 3483, GC replaced by TCATG.
Protein change: p.Gly1161delinsValMet.
Molecular consequence: inframe indel.
Genome position (GRCh38, 1-based): chr16:1,767,877-1,767,878, GC replaced by TCATG. VCF-style: chr16-1767877-GC-TCATG. GRCh37 (hg19) VCF-style: chr16-1817878-GC-TCATG.
Other names: c.3461_3462delinsTCATG, p.Gly1154delinsValMet (NM_001040439.2); c.3479_3480delinsTCATG, p.Gly1160delinsValMet (NM_015133.5).
Identifiers: ClinVar variation 5037530 (VCV005037530.1).

ClinVar aggregate classification (germline): Uncertain significance (1 of 4 stars; one submission).

Submission:

GeneDx
Classification: Uncertain significance. Last evaluated: 2026-04-21. Review status: criteria provided, single submitter. Criteria: GeneDx Variant Classification Process June 2021. Collection method: clinical testing. Allele origin: germline.
Comment: Not observed at significant frequency in large population cohorts (gnomAD); In-frame deletion of 1 amino acid(s) and insertion of 2 different amino acid(s) in a non-repeat region; In silico analysis suggests that this variant does not alter protein structure/function; Has not been previously published as pathogenic or benign to our knowledge